The following is an entry in ClinVar:

NM_000271.5(NPC1):c.1214C>T (p.Thr405Met)

Gene: NPC1 (NPC intracellular cholesterol transporter 1; minus strand). Cytogenetic location: 18q11.2.
Variant type: single nucleotide variant.
Coding change: c.1214C>T on transcript NM_000271.5 (MANE Select); coding-DNA position 1214, C replaced by T.
Protein change: p.Thr405Met; replaces threonine 405 with methionine.
Molecular consequence: missense variant.
Genome position (GRCh38, 1-based): chr18:23,556,355, G>A on the plus strand (C>T on the coding strand, the complement: NPC1 is on the minus strand). VCF-style: chr18-23556355-G-A. GRCh37 (hg19) VCF-style: chr18-21136319-G-A.
Other names: short protein forms T405M.
Identifiers: ClinVar variation 598529 (VCV000598529.10), dbSNP rs764364312, ClinGen allele CA8913518.

ClinVar aggregate classification (germline): Uncertain significance. Review status: criteria provided, multiple submitters, no conflicts (2 of 4 stars). 4 submissions from 4 submitters: Uncertain significance (4). Last evaluated 2024-07-17.

Conditions:
Inborn genetic diseases. Identifiers: MedGen C0950123, MeSH D030342.
Niemann-Pick disease, type C1. Also called: NEUROVISCERAL STORAGE DISEASE WITH VERTICAL SUPRANUCLEAR OPHTHALMOPLEGIA; NIEMANN-PICK DISEASE WITH CHOLESTEROL ESTERIFICATION BLOCK; NIEMANN-PICK DISEASE WITHOUT SPHINGOMYELINASE DEFICIENCY; NIEMANN-PICK DISEASE, CHRONIC NEURONOPATHIC FORM; NIEMANN-PICK DISEASE, VARIANT TYPE C1. Identifiers: Orphanet 646, MedGen C3179455, MONDO:0009757, OMIM 257220.

Allele frequency attached by ClinVar (database versions not stated): ExAC 0.00001; gnomAD exomes 0.00001.
gnomAD v4.1: 13 of 1,614,034 alleles (0.00081%); highest among the groups gnomAD compares: Admixed American, 0.0033%; no homozygotes.

Submissions (4):

3billion
Classification: Uncertain significance for Niemann-Pick disease, type C1. Last evaluated: 2024-07-17. Review status: criteria provided, single submitter. Criteria: ACMG Guidelines, 2015. Collection method: clinical testing. Allele origin: germline. Affected: yes.
Comment: The variant is observed at an extremely low frequency in the gnomAD v4.0.0 dataset (total allele frequency: <0.001%). Predicted Consequence/Location: Missense variant In silico tool predictions suggest damaging effect of the variant on gene or gene product [REVEL: 0.57 (>=0.6, sensitivity 0.68 and specificity 0.92); 3Cnet: 0.86 (>=0.6, sensitivity 0.72 and precision 0.9)]. The variant has been reported as of uncertain significance (ClinVar ID: VCV000598529). Therefore, this variant is classified as VUS according to the recommendation of ACMG/AMP guideline.

Labcorp Genetics (formerly Invitae), Labcorp
Classification: Uncertain significance for Niemann-Pick disease, type C1. Last evaluated: 2022-06-04. Review status: criteria provided, single submitter. Criteria: Invitae Variant Classification Sherloc (09022015). Collection method: clinical testing. Allele origin: germline.
Comment: This sequence change replaces threonine, which is neutral and polar, with methionine, which is neutral and non-polar, at codon 405 of the NPC1 protein (p.Thr405Met). This variant is present in population databases (rs764364312, gnomAD 0.007%). This variant has not been reported in the literature in individuals affected with NPC1-related conditions. ClinVar contains an entry for this variant (Variation ID: 598529). Algorithms developed to predict the effect of missense changes on protein structure and function output the following: SIFT: "Deleterious"; PolyPhen-2: "Benign"; Align-GVGD: "Class C0". The methionine amino acid residue is found in multiple mammalian species, which suggests that this missense change does not adversely affect protein function. In summary, the available evidence is currently insufficient to determine the role of this variant in disease. Therefore, it has been classified as a Variant of Uncertain Significance.

Ambry Genetics
Classification: Uncertain significance for Inborn genetic diseases. Last evaluated: 2021-11-29. Review status: criteria provided, single submitter. Criteria: Ambry Variant Classification Scheme 2023. Collection method: clinical testing. Allele origin: germline.
Comment: The p.T405M variant (also known as c.1214C>T), located in coding exon 8 of the NPC1 gene, results from a C to T substitution at nucleotide position 1214. The threonine at codon 405 is replaced by methionine, an amino acid with similar properties. This amino acid position is conserved. In addition, the in silico prediction for this alteration is inconclusive. Since supporting evidence is limited at this time, the clinical significance of this alteration remains unclear.

Eurofins Ntd Llc (ga)
Classification: Uncertain significance. Last evaluated: 2018-08-27. Review status: criteria provided, single submitter. Criteria: EGL ClinVar v180209 classification definitions. Collection method: clinical testing. Allele origin: germline. Observed: 1 variant allele, 1 heterozygote.